The following is an entry in ClinVar:

NM_000075.4(CDK4):c.840A>T (p.Pro280=)

Genes: CDK4 (cyclin dependent kinase 4; minus strand), TSPAN31 (tetraspanin 31; plus strand). Cytogenetic location: 12q14.1.
Variant type: single nucleotide variant.
Coding change: c.840A>T on transcript NM_000075.4 (MANE Select); coding-DNA position 840, A replaced by T.
Protein change: p.Pro280=; no amino-acid change (proline 280 retained).
Molecular consequence: synonymous variant. On other transcripts: 3 prime UTR variant (3).
Genome position (GRCh38, 1-based): chr12:57,748,597, T>A on the plus strand (A>T on the coding strand, the complement: CDK4 is on the minus strand). VCF-style: chr12-57748597-T-A. GRCh37 (hg19) VCF-style: chr12-58142380-T-A.
Other names: c.*1307T>A (NM_001330169.2, NM_005981.5, NM_001330168.2).
Identifiers: ClinVar variation 3378668 (VCV003378668.1).

ClinVar aggregate classification (germline): Benign (1 of 4 stars; one submission).

Conditions:
Melanoma, cutaneous malignant, susceptibility to, 3. Also called: Cutaneous malignant melanoma 3. Identifiers: Orphanet 618, MedGen C1836892, MONDO:0012183, OMIM 609048.

Submission:

Myriad Genetics, Inc.
Classification: Benign for Melanoma, cutaneous malignant, susceptibility to, 3. Last evaluated: 2024-09-27. Review status: criteria provided, single submitter. Criteria: Myriad Autosomal Dominant, Autosomal Recessive and X-Linked Classification Criteria (2023). Collection method: clinical testing. Allele origin: unknown.
Comment: This variant is considered benign. This variant is a silent/synonymous amino acid change and it is not expected to impact splicing.